The following is an entry in ClinVar:

ClinVar aggregate classification (germline): Uncertain significance (1 of 4 stars; one submission).

Submission:

Ambry Genetics
Classification: Uncertain significance. Last evaluated: 2025-12-26. Review status: criteria provided, single submitter. Criteria: Ambry Variant Classification Scheme 2023. Collection method: clinical testing. Allele origin: germline.
Comment: The p.H240Q variant (also known as c.720T>G), located in coding exon 6 of the RINT1 gene, results from a T to G substitution at nucleotide position 720. The histidine at codon 240 is replaced by glutamine, an amino acid with highly similar properties. This amino acid position is conserved. In addition, this alteration is predicted to be tolerated by in silico analysis. Based on the available evidence, the clinical significance of this variant remains unclear.

NM_021930.6(RINT1):c.720T>G (p.His240Gln)

Gene: RINT1 (RAD50 interactor 1; plus strand). Cytogenetic location: 7q22.3.
Variant type: single nucleotide variant.
Coding change: c.720T>G on transcript NM_021930.6 (MANE Select); coding-DNA position 720, T replaced by G.
Protein change: p.His240Gln; replaces histidine 240 with glutamine.
Molecular consequence: missense variant. On other transcripts: 5 prime UTR variant (2), non-coding transcript variant (1), intron variant (1).
Genome position (GRCh38, 1-based): chr7:105,547,214, T>G. VCF-style: chr7-105547214-T-G. GRCh37 (hg19) VCF-style: chr7-105187661-T-G.
Other names: c.486T>G, p.His162Gln (NM_001346599.2); c.-300T>G (NM_001346600.2); c.-203T>G (NM_001346601.2); c.-27-2841T>G (NM_001346603.2); short protein forms H240Q, H162Q.
Identifiers: ClinVar variation 4844036 (VCV004844036.1).
Genomic context (GRCh38, chr7:105,547,214, plus strand): 5'-TGAAATGTATGTGTTACTTTTCCATTGCAGTGATTTTGAGGAAATTTTAGCACAGCTTCA[T>G]TGGCCATTCATCGCACCCCCTCAATCACAAACTGTTGGCTTAAGTCGACCTGCCAGTGCC-3'
Protein context (NP_068749.3, residues 230-250): SDFEEILAQL[His240Gln]WPFIAPPQSQ